The following is an entry in ClinVar:

ClinVar aggregate classification (germline): Likely pathogenic (1 of 4 stars; one submission).

Submission:

GeneDx
Classification: Likely pathogenic. Last evaluated: 2018-09-25. Review status: criteria provided, single submitter. Criteria: GeneDx Variant Classification (06012015). Collection method: clinical testing. Allele origin: germline. Affected: yes.
Comment: The c.7559_7561delAGAinsGGCC variant in the PCNT gene has not been reported previously as a pathogenic variant nor as a benign variant, to our knowledge. The c.7559_7561delAGAinsGGCC variant causes a frameshift starting with codon Glutamic acid 2520, changes this amino acid to a Glycine residue, and creates a premature Stop codon at position 46 of the new reading frame, denoted p.Glu2520GlyfsX46. This variant is predicted to cause loss of normal protein function either through protein truncation or nonsense-mediated mRNA decay. The c.7559_7561delAGAinsGGCC variant is not observed in large population cohorts (Lek et al., 2016). We interpret c.7559_7561delAGAinsGGCC as a likely pathogenic variant.

NM_006031.6(PCNT):c.7559_7561delinsGGCC (p.Glu2520fs)

Gene: PCNT (pericentrin; plus strand). Cytogenetic location: 21q22.3.
Variant type: Indel.
Coding change: c.7559_7561delinsGGCC on transcript NM_006031.6 (MANE Select); coding-DNA positions 7559 to 7561, AGA replaced by GGCC.
Protein change: p.Glu2520fs; shifts the reading frame from glutamic acid 2520.
Molecular consequence: frameshift variant.
Genome position (GRCh38, 1-based): chr21:46,428,459-46,428,461, AGA replaced by GGCC. VCF-style: chr21-46428459-AGA-GGCC. GRCh37 (hg19) VCF-style: chr21-47848373-AGA-GGCC.
Other names: c.7205_7207delinsGGCC, p.Glu2402fs (NM_001315529.2); short protein forms E2402fs, E2520fs.
Identifiers: ClinVar variation 817268 (VCV000817268.1), dbSNP rs1601176084, ClinGen allele CA915952716.